The following is an entry in ClinVar:

ClinVar aggregate classification (germline): Conflicting classifications of pathogenicity. Review status: criteria provided, conflicting classifications (1 of 4 stars). 6 submissions from 4 submitters: Uncertain significance (4); Likely benign (1). 1 of the submissions does not count toward it. Last evaluated 2026-01-31.

Conditions:
Congenital factor V deficiency. Also called: Hereditary factor V deficiency disease; LABILE FACTOR DEFICIENCY; OWREN PARAHEMOPHILIA; PARAHEMOPHILIA. Identifiers: Orphanet 326, MedGen C0015499, MONDO:0009210, OMIM 227400.
Factor V deficiency. Also called: Reduced coagulation factor V activity. Identifiers: Orphanet 326, MedGen C4317320, MONDO:0020586, HP:0003225.
Thrombophilia due to thrombin defect (THPH1). Also called: Prothrombin Thrombophilia; Thrombosis susceptibility; THROMBOPHILIA DUE TO FACTOR 2 DEFECT; Prothrombin-Related Thrombophilia (Factor II). Identifiers: MedGen C3160733, MONDO:0008559, OMIM 188050. Disease mechanism: gain of function, loss of function.
F5-related disorder. Also called: F5-related condition.
Budd-Chiari syndrome (BDCHS). Also called: Hepatic vein obstruction. Identifiers: Orphanet 131, MedGen C0856761, MONDO:0010947, OMIM 600880, HP:0002639.

Allele frequency attached by ClinVar (database versions not stated): 1000 Genomes Project 30x 0.00047; 1000 Genomes Project 0.00060; gnomAD 0.00074 and 0.00082; ExAC 0.00076; gnomAD exomes 0.00076 and 0.00108; ESP Exome Variant Server 0.00077; TOPMed 0.00077.

Submissions (6):

Labcorp Genetics (formerly Invitae), Labcorp
Classification: Likely benign for Congenital factor V deficiency. Last evaluated: 2026-01-31. Review status: criteria provided, single submitter. Criteria: Invitae Variant Classification Sherloc (09022015). Collection method: clinical testing. Allele origin: germline.

Illumina Laboratory Services, Illumina
Classification: Uncertain significance for Budd-Chiari syndrome. Last evaluated: 2018-01-13. Review status: criteria provided, single submitter. Criteria: ICSL Variant Classification Criteria 13 December 2019. Collection method: clinical testing. Allele origin: germline.

Illumina Laboratory Services, Illumina
Classification: Uncertain significance for Congenital factor V deficiency. Last evaluated: 2018-01-13. Review status: criteria provided, single submitter. Criteria: ICSL Variant Classification Criteria 13 December 2019. Collection method: clinical testing. Allele origin: germline.

Illumina Laboratory Services, Illumina
Classification: Uncertain significance for Venous thrombosis. Last evaluated: 2018-01-13. Review status: criteria provided, single submitter. Criteria: ICSL Variant Classification Criteria 13 December 2019. Collection method: clinical testing. Allele origin: germline.

Breakthrough Genomics
Classification: Uncertain significance. Review status: criteria provided, single submitter. Criteria: ACMG Guidelines, 2015. Collection method: not provided. Allele origin: germline. Inheritance: Autosomal recessive inheritance. Affected: yes.

PreventionGenetics, part of Exact Sciences
Classification: Likely benign for F5-related condition. Last evaluated: 2023-12-21. Review status: no assertion criteria provided. Collection method: clinical testing. Allele origin: germline. Not counted in ClinVar's aggregate classification.
Comment: This variant is classified as likely benign based on ACMG/AMP sequence variant interpretation guidelines (Richards et al. 2015 PMID: 25741868, with internal and published modifications).

NM_000130.5(F5):c.5431A>T (p.Met1811Leu)

Gene: F5 (coagulation factor V; minus strand). Cytogenetic location: 1q24.2.
Variant type: single nucleotide variant.
Coding change: c.5431A>T on transcript NM_000130.5 (MANE Select); coding-DNA position 5431, A replaced by T.
Protein change: p.Met1811Leu; replaces methionine 1811 with leucine.
Molecular consequence: missense variant.
Genome position (GRCh38, 1-based): chr1:169,528,083, T>A on the plus strand (A>T on the coding strand, the complement: F5 is on the minus strand). VCF-style: chr1-169528083-T-A. GRCh37 (hg19) VCF-style: chr1-169497321-T-A.
Other names: short protein forms M1811L.
Identifiers: ClinVar variation 873864 (VCV000873864.11), dbSNP rs138877178, ClinGen allele CA1233500.